The following is an entry in ClinVar:

ClinVar aggregate classification (germline): Pathogenic (1 of 4 stars; one submission).

Conditions:
X-linked severe combined immunodeficiency (SCIDX1). Also called: X-Linked Combined Immunodeficiency Diseases; IMMUNODEFICIENCY 4; SCID, X-LINKED; SEVERE COMBINED IMMUNODEFICIENCY, X-LINKED, T CELL-NEGATIVE, B CELL-POSITIVE, NK CELL-NEGATIVE; T-B+ severe combined immunodeficiency due to gamma chain deficiency. Identifiers: Orphanet 276, MedGen C6022468, MONDO:0010315, OMIM 300400. Disease mechanism: loss of function.

Submission:

Labcorp Genetics (formerly Invitae), Labcorp
Classification: Pathogenic for X-linked severe combined immunodeficiency. Last evaluated: 2025-09-08. Review status: criteria provided, single submitter. Criteria: Invitae Variant Classification Sherloc (09022015). Collection method: clinical testing. Allele origin: germline.
Comment: This sequence change falls in intron 4 of the IL2RG gene. It does not directly change the encoded amino acid sequence of the IL2RG protein. It affects a nucleotide within the consensus splice site. This variant is not present in population databases (gnomAD no frequency). This variant has been observed in individual(s) with clinical features of severe combined immunodeficiency (PMID: 33628209; internal data). ClinVar contains an entry for this variant (Variation ID: 1066800). Variants that disrupt the consensus splice site are a relatively common cause of aberrant splicing (PMID: 17576681, 9536098). Algorithms developed to predict the effect of sequence changes on RNA splicing suggest that this variant may disrupt the consensus splice site. This variant disrupts the c.594+5G nucleotide in the IL2RG gene. Other variant(s) that disrupt this nucleotide have been determined to be pathogenic (PMID: 9058718; internal data). This suggests that this nucleotide is clinically significant, and that variants that disrupt this position are likely to be disease-causing. For these reasons, this variant has been classified as Pathogenic.

Literature cited by the submitters: PubMed 33628209; PubMed 17576681; PubMed 9536098; PubMed 9058718.

NM_000206.3(IL2RG):c.594+5G>T

Gene: IL2RG (interleukin 2 receptor subunit gamma; minus strand). Cytogenetic location: Xq13.1.
Variant type: single nucleotide variant.
Coding change: c.594+5G>T on transcript NM_000206.3 (MANE Select); 5 bases into the intron after coding-DNA position 594, G replaced by T.
Molecular consequence: intron variant.
Genome position (GRCh38, 1-based): chrX:71,110,151, C>A on the plus strand (G>T on the coding strand, the complement: IL2RG is on the minus strand). VCF-style: chrX-71110151-C-A. GRCh37 (hg19) VCF-style: chrX-70330001-C-A.
Identifiers: ClinVar variation 1066800 (VCV001066800.9), dbSNP rs2147749578, ClinGen allele CA2499226824.